The following is an entry in ClinVar:

ClinVar aggregate classification (germline): Uncertain significance (1 of 4 stars; one submission).

Conditions:
Inborn genetic diseases. Identifiers: MedGen C0950123, MeSH D030342.

Submission:

Ambry Genetics
Classification: Uncertain significance for Inborn genetic diseases. Last evaluated: 2025-05-23. Review status: criteria provided, single submitter. Criteria: Ambry Variant Classification Scheme 2023. Collection method: clinical testing. Allele origin: germline.
Comment: The p.D70V variant (also known as c.209A>T), located in coding exon 2 of the SBDS gene, results from an A to T substitution at nucleotide position 209. The aspartic acid at codon 70 is replaced by valine, an amino acid with highly dissimilar properties. This amino acid position is conserved. In addition, this alteration is predicted to be deleterious by in silico analysis. Based on the available evidence, the clinical significance of this variant remains unclear.

NM_016038.4(SBDS):c.209A>T (p.Asp70Val)

Gene: SBDS (SBDS ribosome maturation factor; minus strand). Cytogenetic location: 7q11.21.
Variant type: single nucleotide variant.
Coding change: c.209A>T on transcript NM_016038.4 (MANE Select); coding-DNA position 209, A replaced by T.
Protein change: p.Asp70Val; replaces aspartic acid 70 with valine.
Molecular consequence: missense variant.
Genome position (GRCh38, 1-based): chr7:66,994,261, T>A on the plus strand (A>T on the coding strand, the complement: SBDS is on the minus strand). VCF-style: chr7-66994261-T-A. GRCh37 (hg19) VCF-style: chr7-66459248-T-A.
Other names: short protein forms D70V.
Identifiers: ClinVar variation 3950330 (VCV003950330.1).
Genomic context (GRCh38, chr7:66,994,261, plus strand): 5'-CTGTTACCCACCTGCTTACAGATTTCAGTTTGGTCATCTGTTCCAAACGCACTGATGAGA[T>A]CTTCCTTTTTGGCAACCTGACCTTTAGAAACATTTACAAACACTGAGTGGGTCTGCAGAA-3'
Protein context (NP_057122.2, residues 60-80): VSKGQVAKKE[Asp70Val]LISAFGTDDQ